The following is an entry in ClinVar:

NM_000535.7(PMS2):c.399T>A (p.Thr133=)

Gene: PMS2 (PMS1 homolog 2, mismatch repair system component; minus strand). Cytogenetic location: 7p22.1.
Variant type: single nucleotide variant.
Coding change: c.399T>A on transcript NM_000535.7 (MANE Select); coding-DNA position 399, T replaced by A.
Protein change: p.Thr133=; no amino-acid change (threonine 133 retained).
Molecular consequence: synonymous variant. On other transcripts: 5 prime UTR variant (29), non-coding transcript variant (1), intron variant (1).
Genome position (GRCh38, 1-based): chr7:6,002,591, A>T on the plus strand (T>A on the coding strand, the complement: PMS2 is on the minus strand). VCF-style: chr7-6002591-A-T. GRCh37 (hg19) VCF-style: chr7-6042222-A-T.
Other names: c.-7T>A (NM_001322003.2, NM_001322004.2, NM_001322005.2 and 24 more transcripts); c.399T>A, p.Thr133= (NM_001322006.2, NM_001322014.2, NM_001406869.1 and 8 more transcripts); c.81T>A, p.Thr27= (NM_001322007.2, NM_001322008.2, NM_001406876.1 and 4 more transcripts); c.-486T>A (NM_001322011.2, NM_001322012.2); c.90T>A, p.Thr30= (NM_001322015.2, NM_001406875.1, NM_001406877.1 and 6 more transcripts); c.585T>A, p.Thr195= (NM_001406866.1); c.423T>A, p.Thr141= (NM_001406868.1); c.250+1381T>A (NM_001406885.1).
Identifiers: ClinVar variation 3903440 (VCV003903440.1).

ClinVar aggregate classification (germline): Benign (1 of 4 stars; one submission).

Conditions:
Lynch syndrome 4 (LYNCH4). Also called: Colorectal cancer, hereditary nonpolyposis, type 4; Hereditary non-polyposis colorectal cancer, type 4. Identifiers: Orphanet 144, MedGen C1838333, MONDO:0013699, OMIM 614337. Disease mechanism: loss of function.

Submission:

Myriad Genetics, Inc.
Classification: Benign for Lynch syndrome 4. Last evaluated: 2025-01-24. Review status: criteria provided, single submitter. Criteria: Myriad Autosomal Dominant, Autosomal Recessive and X-Linked Classification Criteria (2023). Collection method: clinical testing. Allele origin: unknown.
Comment: This variant is considered benign. This variant is a silent/synonymous amino acid change and it is not expected to impact splicing.